The following is an entry in ClinVar:

NM_001558.4(IL10RA):c.*1412T>C

Gene: IL10RA (interleukin 10 receptor subunit alpha; plus strand). Cytogenetic location: 11q23.3.
Variant type: single nucleotide variant.
Coding change: c.*1412T>C on transcript NM_001558.4 (MANE Select); 1412 bases downstream of the stop codon, T replaced by C.
Molecular consequence: 3 prime UTR variant. On other transcripts: non-coding transcript variant (1).
Genome position (GRCh38, 1-based): chr11:118,001,053, T>C. VCF-style: chr11-118001053-T-C. GRCh37 (hg19) VCF-style: chr11-117871768-T-C.
Identifiers: ClinVar variation 302575 (VCV000302575.5), dbSNP rs4252294, ClinGen allele CA6299311.

ClinVar aggregate classification (germline): Benign (1 of 4 stars; one submission).

Conditions:
Inflammatory bowel disease 28. Also called: Inflammatory bowel disease 28, early onset, autosomal recessive. Identifiers: Orphanet 238569, MedGen C2751053, MONDO:0013153, OMIM 613148.

Allele frequency attached by ClinVar (database versions not stated): ExAC 0.00174; gnomAD exomes 0.00264 and 0.00429; gnomAD 0.01929 and 0.02065; 1000 Genomes Project 0.02077; 1000 Genomes Project 30x 0.02155; TOPMed 0.02209.
gnomAD v4.1: 3,719 of 454,242 alleles (0.82%); highest among the groups gnomAD compares: African/African-American, 6.6%; 114 homozygotes.

Submission:

Illumina Laboratory Services, Illumina
Classification: Benign for Inflammatory bowel disease 28. Last evaluated: 2018-01-12. Review status: criteria provided, single submitter. Criteria: ICSL Variant Classification Criteria 13 December 2019. Collection method: clinical testing. Allele origin: germline.
Comment: This variant was observed in the ICSL laboratory as part of a predisposition screen in an ostensibly healthy population. It had not been previously curated by ICSL or reported in the Human Gene Mutation Database (HGMD: prior to June 1st, 2018), and was therefore a candidate for classification through an automated scoring system. Utilizing variant allele frequency, disease prevalence and penetrance estimates, and inheritance mode, an automated score was calculated to assess if this variant is too frequent to cause the disease. Based on the score and internal cut-off values, a variant classified as benign is not then subjected to further curation. The score for this variant resulted in a classification of benign for this disease.